The following is an entry in ClinVar:

NM_000289.5(PFKM):c.-12334C>G

Gene: PFKM (phosphofructokinase, muscle; plus strand). Cytogenetic location: 12q13.11.
Variant type: single nucleotide variant.
Coding change: c.-12334C>G on transcript NM_000289.5; 12334 bases upstream of the start codon, C replaced by G.
Molecular consequence: intron variant (on NM_001354741.2).
Genome position (GRCh38, 1-based): chr12:48,107,081, C>G. VCF-style: chr12-48107081-C-G. GRCh37 (hg19) VCF-style: chr12-48500864-C-G.
Other names: c.-81+1662C>G (NM_001354741.2); c.-9+1662C>G (NM_001354742.2); c.-85+1662C>G (NM_001354747.2); c.-9+1271C>G (NM_001354743.2); c.-9-284C>G (NM_001166686.2, NM_001439058.1, NM_001354736.1 and 4 more transcripts).
Identifiers: ClinVar variation 672142 (VCV000672142.3), dbSNP rs78782922, ClinGen allele CA236517923.

ClinVar aggregate classification (germline): Benign (1 of 4 stars; one submission).

Allele frequency attached by ClinVar (database versions not stated): TOPMed 0.05357; gnomAD 0.06032 and 0.06213; 1000 Genomes Project 30x 0.02858; 1000 Genomes Project 0.02756.
gnomAD v4.1: 9,126 of 152,200 alleles (6%); highest among the groups gnomAD compares: Non-Finnish European, 9.3%; 361 homozygotes.

Submission:

GeneDx
Classification: Benign. Last evaluated: 2018-06-19. Review status: criteria provided, single submitter. Criteria: GeneDx Variant Classification (06012015). Collection method: clinical testing. Allele origin: germline. Affected: yes.
Comment: This variant is considered likely benign or benign based on one or more of the following criteria: it is a conservative change, it occurs at a poorly conserved position in the protein, it is predicted to be benign by multiple in silico algorithms, and/or has population frequency not consistent with disease.